The following is an entry in ClinVar:

NM_005859.5(PURA):c.215G>A (p.Arg72His)

Gene: PURA (purine rich element binding protein A; plus strand). Cytogenetic location: 5q31.3.
Variant type: single nucleotide variant.
Coding change: c.215G>A on transcript NM_005859.5 (MANE Select); coding-DNA position 215, G replaced by A.
Protein change: p.Arg72His; replaces arginine 72 with histidine.
Molecular consequence: missense variant.
Genome position (GRCh38, 1-based): chr5:140,114,396, G>A. VCF-style: chr5-140114396-G-A. GRCh37 (hg19) VCF-style: chr5-139493981-G-A.
Other names: short protein forms R72H.
Identifiers: ClinVar variation 1526135 (VCV001526135.1), dbSNP rs2126748830, ClinGen allele CA361490140.

ClinVar aggregate classification (germline): Uncertain significance (1 of 4 stars; one submission).

Conditions:
PURA-related severe neonatal hypotonia-seizures-encephalopathy syndrome (NEDRIHF). Also called: PURA-Related Neurodevelopmental Disorders; NEURODEVELOPMENTAL DISORDER WITH NEONATAL RESPIRATORY INSUFFICIENCY, HYPOTONIA, AND FEEDING DIFFICULTIES. Identifiers: Orphanet 438213, Orphanet 438216, MedGen C4015357, MONDO:1060108, OMIM 616158, MONDO:0018580.

Submission:

3billion
Classification: Uncertain significance for PURA-related severe neonatal hypotonia-seizures-encephalopathy syndrome. Last evaluated: 2022-03-22. Review status: criteria provided, single submitter. Criteria: ACMG Guidelines, 2015. Collection method: clinical testing. Allele origin: germline. Affected: yes. Observed: 1 heterozygote.
Comment: The variant is not observed in the gnomAD v2.1.1 dataset. In silico tool predictions suggest damaging effect of the variant on gene or gene product (3CNET: 0.973>=0.75). Therefore, this variant is classified as uncertain significance according to the recommendation of ACMG/AMP guideline.